The following is an entry in ClinVar:

ClinVar aggregate classification (germline): Likely benign. Review status: criteria provided, multiple submitters, no conflicts (2 of 4 stars). 2 submissions from 2 submitters: Likely benign (2). Last evaluated 2026-03-27.

Conditions:
Arrhythmogenic right ventricular cardiomyopathy (ARVD). Also called: Arrhythmogenic right ventricular dysplasia; Cardiomyopathy, ARVC; Arrhythmogenic cardiomyopathy; Arrhythmogenic Right Ventricular Cardiomyopathy (ARVC). Identifiers: Orphanet 247, MedGen C0349788, MeSH D019571, MONDO:0016587. Disease mechanism: loss of function. Inheritance: Various modes of inheritance.

gnomAD v4.1: 3 of 1,613,944 alleles (0.00019%); highest among the groups gnomAD compares: African/African-American, 0.0013%; no homozygotes.

Submissions (2):

Molecular Diagnostic Laboratory for Inherited Cardiovascular Disease, Montreal Heart Institute
Classification: Likely benign. Last evaluated: 2026-03-27. Review status: criteria provided, single submitter. Criteria: ACMG Guidelines, 2015. Collection method: clinical testing. Allele origin: germline. Affected: no.
Comment: BP7

All of Us Research Program, National Institutes of Health
Classification: Likely benign for Arrhythmogenic right ventricular cardiomyopathy. Last evaluated: 2023-12-18. Review status: criteria provided, single submitter. Criteria: ACMG Guidelines, 2015. Collection method: clinical testing. Allele origin: germline. Inheritance: Autosomal dominant inheritance. Observed: 1 variant allele, 1 heterozygote.
Comment: This study involves interpretation of variants in research participants for the purpose of population health screening. Participant phenotype was not available at the time of variant classification. Additional details can be found in publication PMID: 35346344, PMCID: PMC8962531

NM_001943.5(DSG2):c.2799G>A (p.Val933=)

Genes: DSG2 (desmoglein 2; plus strand), DSG2-AS1 (DSG2 antisense RNA 1; minus strand). Cytogenetic location: 18q12.1.
Variant type: single nucleotide variant.
Coding change: c.2799G>A on transcript NM_001943.5 (MANE Select); coding-DNA position 2799, G replaced by A.
Protein change: p.Val933=; no amino-acid change (valine 933 retained).
Molecular consequence: synonymous variant.
Genome position (GRCh38, 1-based): chr18:31,546,185, G>A. VCF-style: chr18-31546185-G-A. GRCh37 (hg19) VCF-style: chr18-29126148-G-A.
Other names: c.2799G>A (NM_001943.4).
Identifiers: ClinVar variation 3075167 (VCV003075167.2), dbSNP rs758038429, ClinGen allele CA047211.